The following is an entry in ClinVar:

ClinVar aggregate classification (germline): Uncertain significance. Review status: criteria provided, multiple submitters, no conflicts (2 of 4 stars). 2 submissions from 2 submitters: Uncertain significance (2). Last evaluated 2026-02-01.

Conditions:
Surfactant metabolism dysfunction, pulmonary, 5 (SMDP5). Also called: PULMONARY ALVEOLAR PROTEINOSIS 5; PAP DUE TO CSF2RB DEFICIENCY; CSF2RB DEFICIENCY. Identifiers: Orphanet 264675, MedGen C3280574, MONDO:0013712, OMIM 614370.

Allele frequency attached by ClinVar (database versions not stated): gnomAD exomes 0.00001.
gnomAD v4.1: 19 of 1,613,856 alleles (0.0012%); highest among the groups gnomAD compares: Non-Finnish European, 0.0014%; no homozygotes.

Submissions (2):

Labcorp Genetics (formerly Invitae), Labcorp
Classification: Uncertain significance. Last evaluated: 2026-02-01. Review status: criteria provided, single submitter. Criteria: Invitae Variant Classification Sherloc (09022015). Collection method: clinical testing. Allele origin: germline.
Comment: This sequence change replaces glutamic acid, which is acidic and polar, with lysine, which is basic and polar, at codon 533 of the CSF2RB protein (p.Glu533Lys). This variant is not present in population databases (gnomAD no frequency). This variant has not been reported in the literature in individuals affected with CSF2RB-related conditions. ClinVar contains an entry for this variant (Variation ID: 694631). Invitae Evidence Modeling of protein sequence and biophysical properties (such as structural, functional, and spatial information, amino acid conservation, physicochemical variation, residue mobility, and thermodynamic stability) indicates that this missense variant is not expected to disrupt CSF2RB protein function with a negative predictive value of 80%. In summary, the available evidence is currently insufficient to determine the role of this variant in disease. Therefore, it has been classified as a Variant of Uncertain Significance.

Johns Hopkins Genomics, Johns Hopkins University
Classification: Uncertain significance for Surfactant metabolism dysfunction, pulmonary, 5. Last evaluated: 2019-05-21. Review status: criteria provided, single submitter. Criteria: ACMG Guidelines, 2015. Collection method: clinical testing. Allele origin: germline.
Comment: This CSF2RB variant is absent from large population datasets and has not been reported in the literature, to our knowledge. Two bioinformatic tools queried predict that this substitution would be tolerated, and the glutamic acid residue at this position is evolutionarily conserved across most species assessed. Bioinformatic analysis predicts that this missense variant would not affect normal exon 14 splicing, although this has not been confirmed experimentally to our knowledge. Due to insufficient evidence that this variant is deleterious, the clinical significance of c.1597G>A is uncertain at this time.

NM_000395.3(CSF2RB):c.1597G>A (p.Glu533Lys)

Gene: CSF2RB (colony stimulating factor 2 receptor subunit beta; plus strand). Cytogenetic location: 22q12.3.
Variant type: single nucleotide variant.
Coding change: c.1597G>A on transcript NM_000395.3 (MANE Select); coding-DNA position 1597, G replaced by A.
Protein change: p.Glu533Lys; replaces glutamic acid 533 with lysine.
Molecular consequence: missense variant.
Genome position (GRCh38, 1-based): chr22:36,937,405, G>A. VCF-style: chr22-36937405-G-A. GRCh37 (hg19) VCF-style: chr22-37333447-G-A.
Other names: short protein forms E533K.
Identifiers: ClinVar variation 694631 (VCV000694631.5), dbSNP rs1601594289, ClinGen allele CA411409792.